The following is an entry in ClinVar:

NM_000545.8(HNF1A):c.1193_1195delinsGGT (p.Gln398_Gln399delinsArgTer)

Gene: HNF1A (HNF1 homeobox A; plus strand). Cytogenetic location: 12q24.31.
Variant type: Indel.
Coding change: c.1193_1195delinsGGT on transcript NM_000545.8 (MANE Select); coding-DNA positions 1193 to 1195, AGC replaced by GGT.
Protein change: p.Gln398_Gln399delinsArgTer.
Molecular consequence: nonsense.
Genome position (GRCh38, 1-based): chr12:120,996,626-120,996,628, AGC replaced by GGT. VCF-style: chr12-120996626-AGC-GGT. GRCh37 (hg19) VCF-style: chr12-121434429-AGC-GGT.
Other names: c.1193_1195delinsGGT, p.Gln398_Gln399delinsArgTer (NM_001306179.2).
Identifiers: ClinVar variation 817585 (VCV000817585.2), dbSNP rs1593060966, ClinGen allele CA915946726.
Genomic context (GRCh38, chr12:120,996,626, plus strand): 5'-CCCCTGTCAGCACCCTGACAGCACTGCACAGCTTGGAGCAGACATCCCCAGGCCTCAACC[AGC>GGT]AGCCCCAGAACCTCATCATGGCCTCACTTCCTGGGGTCATGACCATCGGGCCTGGTGAGC-3'

ClinVar aggregate classification (germline): Pathogenic/Likely pathogenic. Review status: criteria provided, multiple submitters, no conflicts (2 of 4 stars). 2 submissions from 2 submitters: Pathogenic (1); Likely pathogenic (1). Last evaluated 2019-02-18.

Conditions:
Maturity-onset diabetes of the young (MODY). Also called: Maturity onset diabetes mellitus in young. Identifiers: Orphanet 552, MedGen C0342276, MONDO:0018911, HP:0004904.

Submissions (2):

GeneDx
Classification: Likely pathogenic. Last evaluated: 2019-02-18. Review status: criteria provided, single submitter. Criteria: GeneDx Variant Classification (06012015). Collection method: clinical testing. Allele origin: germline. Affected: yes.
Comment: The c.1193_1195delAGCinsGGT variant in the HNF1A gene changes the Glutamine at position 398 to an Arginine residue and creates a premature Stop codon at position 399, denoted p.Gln398_Gln399delinsArgX. This variant is predicted to cause loss of normal protein function either through protein truncation or nonsense-mediated mRNA decay. The c.1193_1195delAGCinsGGT variant has not been published as a pathogenic variant, nor has it been reported as a benign variant to our knowledge. This variant is not observed in large population cohorts (Lek et al., 2016). In summary, we interpret this variant as likely pathogenic.

Clinical Genomics, Uppaluri K&H Personalized Medicine Clinic
Classification: Pathogenic for Maturity-onset diabetes of the young. Review status: criteria provided, single submitter. Criteria: K & H Uppaluri Personalized Medicine Clinic Variant Classification & Assertion Criteria_Updated V.1. Collection method: research. Allele origin: unknown. Inheritance: Autosomal dominant inheritance.
Comment: Mutations in HNF1A gene can predispose to MODY3. It is associated with both micro and macrovascular complications of diabetes, especially cardiovascular complications. Associated with glucosuria. May respond well to sulfonylureas. However, more evidence is required to confer the association of this particular variant rs1593060966 with MODY3.

Literature cited by the submitters: PubMed 31517624 (cited by Clinical Genomics, Uppaluri K&H Personalized Medicine Clinic); PubMed 32395877 (cited by Clinical Genomics, Uppaluri K&H Personalized Medicine Clinic); PubMed 35328643 (cited by Clinical Genomics, Uppaluri K&H Personalized Medicine Clinic); PubMed 35673428 (cited by Clinical Genomics, Uppaluri K&H Personalized Medicine Clinic).